The following is an entry in ClinVar:

ClinVar aggregate classification (germline): Likely benign. Review status: reviewed by expert panel (3 of 4 stars). 3 submissions from 3 submitters: Likely benign (1). 2 of the submissions do not count toward it. Last evaluated 2026-05-04.

Conditions:
Hereditary thrombocytopenia and hematological cancer predisposition syndrome associated with RUNX1. Also called: Familial Platelet Disorder with Propensity to Acute Myelogenous Leukemia; Familial thrombocytopenia with propensity to acute myelogenous leukemia; PLATELET DISORDER, ASPIRIN-LIKE; RUNX1 Familial Platelet Disorder with Associated Myeloid Malignancies. Identifiers: Orphanet 71290, MedGen C1832388, MeSH C563324, MONDO:0100083, OMIM 601399.
Hereditary thrombocytopenia and hematologic cancer predisposition syndrome. Identifiers: Orphanet 71290, MedGen CN281654, MONDO:0011071.
Inborn genetic diseases. Identifiers: MedGen C0950123, MeSH D030342.

Submissions (3):

ClinGen Myeloid Malignancy Variant Curation Expert Panel
Classification: Likely benign for Hereditary thrombocytopenia and hematologic cancer predisposition syndrome. Last evaluated: 2026-05-04. Review status: reviewed by expert panel. Criteria: ClinGen MyeloMalig ACMG Specifications V3.1. Collection method: curation. Allele origin: germline. Inheritance: Autosomal dominant inheritance.
Comment: NM_001754.5(RUNX1):c.361C>T (p.Leu121=) is a synonymous variant which has a SpliceAI score ≤ 0.20 (0.00) (BP4, BP7). This variant is completely absent from all population databases with at least 20x coverage for RUNX1 (PM2_supporting). In summary, this variant meets criteria to be classified as likely benign. ACMG/AMP criteria applied, as specified by the Myeloid Malignancy Variant Curation Expert Panel for RUNX1: BP4, BP7, PM2_supporting.

Labcorp Genetics (formerly Invitae), Labcorp
Classification: Likely benign for Hereditary thrombocytopenia and hematological cancer predisposition syndrome associated with RUNX1. Last evaluated: 2025-10-20. Review status: criteria provided, single submitter. Criteria: Invitae Variant Classification Sherloc (09022015). Collection method: clinical testing. Allele origin: germline. Not counted in ClinVar's aggregate classification.

Ambry Genetics
Classification: Likely benign for Inborn genetic diseases. Last evaluated: 2025-08-14. Review status: criteria provided, single submitter. Criteria: Ambry Variant Classification Scheme 2023. Collection method: clinical testing. Allele origin: germline. Not counted in ClinVar's aggregate classification.

NM_001754.5(RUNX1):c.361C>T (p.Leu121=)

Genes: RUNX1 (RUNX family transcription factor 1; minus strand), RUNX1-AS1 (RUNX1 antisense RNA 1; plus strand). Cytogenetic location: 21q22.12.
Variant type: single nucleotide variant.
Coding change: c.361C>T on transcript NM_001754.5 (MANE Select); coding-DNA position 361, C replaced by T.
Protein change: p.Leu121=; no amino-acid change (leucine 121 retained).
Molecular consequence: synonymous variant.
Genome position (GRCh38, 1-based): chr21:34,880,704, G>A on the plus strand (C>T on the coding strand, the complement: RUNX1 is on the minus strand). VCF-style: chr21-34880704-G-A. GRCh37 (hg19) VCF-style: chr21-36253001-G-A.
Other names: NM_001754.5(RUNX1):c.361C>T; p.Leu121=; c.280C>T, p.Leu94= (NM_001001890.3, NM_001122607.2).
Identifiers: ClinVar variation 2013398 (VCV002013398.8), dbSNP rs2146363846, ClinGen allele CA512318790.